The following is an entry in ClinVar:

NM_020184.4(CNNM4):c.2244G>C (p.Glu748Asp)

Gene: CNNM4 (cyclin and CBS domain divalent metal cation transport mediator 4; plus strand). Cytogenetic location: 2q11.2.
Variant type: single nucleotide variant.
Coding change: c.2244G>C on transcript NM_020184.4 (MANE Select); coding-DNA position 2244, G replaced by C.
Protein change: p.Glu748Asp; replaces glutamic acid 748 with aspartic acid.
Molecular consequence: missense variant.
Genome position (GRCh38, 1-based): chr2:96,809,433, G>C. VCF-style: chr2-96809433-G-C. GRCh37 (hg19) VCF-style: chr2-97475170-G-C.
Other names: c.2244G>C (NM_020184.3); short protein forms E748D.
Identifiers: ClinVar variation 1011981 (VCV001011981.6), dbSNP rs765943725, ClinGen allele CA1783621.
Genomic context (GRCh38, chr2:96,809,433, plus strand): 5'-CCCTCAGTTTCCCATAGACGGGTGCACCACCCACATGGAGAACTTGGCCGAGAAGTCTGA[G>C]CTGCCTGTGGTGGACGAGACCACAACTCTTCTCAACGAGCGTAACTCCTTGCTGCACAAA-3'
Protein context (NP_064569.3, residues 738-758): THMENLAEKS[Glu748Asp]LPVVDETTTL

ClinVar aggregate classification (germline): Uncertain significance. Review status: criteria provided, multiple submitters, no conflicts (2 of 4 stars). 2 submissions from 2 submitters: Uncertain significance (2). Last evaluated 2025-12-31.

Conditions:
CNNM4-related disorder. Also called: CNNM4-related condition.

Allele frequency attached by ClinVar (database versions not stated): TOPMed 0.00007.
gnomAD v4.1: 151 of 1,614,104 alleles (0.0094%); highest among the groups gnomAD compares: Non-Finnish European, 0.012%; no homozygotes.

Submissions (2):

PreventionGenetics, part of Exact Sciences
Classification: Uncertain significance for CNNM4-related condition. Last evaluated: 2025-12-31. Review status: criteria provided, single submitter. Criteria: ACMG Guidelines, 2015. Collection method: clinical testing. Allele origin: germline.
Comment: The CNNM4 c.2244G>C variant is predicted to result in the amino acid substitution p.Glu748Asp. To our knowledge, this variant has not been reported in the literature. This variant is reported in 0.012% of alleles in individuals of European (Non-Finnish) descent in gnomAD. At this time, the clinical significance of this variant is uncertain due to the absence of conclusive functional and genetic evidence.

Labcorp Genetics (formerly Invitae), Labcorp
Classification: Uncertain significance. Last evaluated: 2025-08-21. Review status: criteria provided, single submitter. Criteria: Invitae Variant Classification Sherloc (09022015). Collection method: clinical testing. Allele origin: germline.
Comment: This sequence change replaces glutamic acid, which is acidic and polar, with aspartic acid, which is acidic and polar, at codon 748 of the CNNM4 protein (p.Glu748Asp). The frequency data for this variant in the population databases is considered unreliable, as metrics indicate poor data quality at this position in the gnomAD database. This variant has not been reported in the literature in individuals affected with CNNM4-related conditions. ClinVar contains an entry for this variant (Variation ID: 1011981). An algorithm developed to predict the effect of missense changes on protein structure and function outputs the following: PolyPhen-2: "Benign". The aspartic acid amino acid residue is found in multiple mammalian species, which suggests that this missense change does not adversely affect protein function. In summary, the available evidence is currently insufficient to determine the role of this variant in disease. Therefore, it has been classified as a Variant of Uncertain Significance.